The following is an entry in ClinVar:

NM_001009944.3(PKD1):c.2986-1G>A

Gene: PKD1 (polycystin 1, transient receptor potential channel interacting; minus strand). Cytogenetic location: 16p13.3.
Variant type: single nucleotide variant.
Coding change: c.2986-1G>A on transcript NM_001009944.3 (MANE Select); the canonical splice acceptor site of the intron before coding-DNA position 2986, G replaced by A.
Molecular consequence: splice acceptor variant.
Genome position (GRCh38, 1-based): chr16:2,112,964, C>T on the plus strand (G>A on the coding strand, the complement: PKD1 is on the minus strand). VCF-style: chr16-2112964-C-T. GRCh37 (hg19) VCF-style: chr16-2162965-C-T.
Other names: c.2986-1G>A (NM_000296.4).
Identifiers: ClinVar variation 977303 (VCV000977303.1), dbSNP rs2092557654, ClinGen allele CA394385316.

ClinVar aggregate classification (germline): Pathogenic (1 of 4 stars; one submission).

Conditions:
Polycystic kidney disease. Also called: Polycystic kidney dysplasia; Kidney, Polycystic. Identifiers: MedGen C0022680, MeSH D007690, MONDO:0020642, HP:0000113.

Submission:

Cavalleri Lab, Royal College of Surgeons in Ireland
Classification: Pathogenic for Polycystic kidney disease. Last evaluated: 2020-05-28. Review status: criteria provided, single submitter. Criteria: ACMG Guidelines, 2015. Collection method: research. Allele origin: unknown. Inheritance: Autosomal dominant inheritance. Affected: yes. Observed: 1 variant allele.
Comment: PVS1, PM2, PP4